The following is an entry in ClinVar:

ClinVar aggregate classification (germline): Uncertain significance (1 of 4 stars; one submission).

Allele frequency attached by ClinVar (database versions not stated): ExAC 0.00002; gnomAD exomes 0.00002; gnomAD 0.00003; TOPMed 0.00005; 1000 Genomes Project 30x 0.00016; 1000 Genomes Project 0.00020.
gnomAD v4.1: 31 of 1,610,212 alleles (0.0019%); highest among the groups gnomAD compares: East Asian, 0.069%; no homozygotes.

Submission:

Labcorp Genetics (formerly Invitae), Labcorp
Classification: Uncertain significance. Last evaluated: 2022-04-15. Review status: criteria provided, single submitter. Criteria: Invitae Variant Classification Sherloc (09022015). Collection method: clinical testing. Allele origin: germline.
Comment: This sequence change falls in intron 13 of the HPS3 gene. It does not directly change the encoded amino acid sequence of the HPS3 protein. It affects a nucleotide within the consensus splice site. This variant is present in population databases (rs187890574, gnomAD 0.1%). This variant has not been reported in the literature in individuals affected with HPS3-related conditions. Variants that disrupt the consensus splice site are a relatively common cause of aberrant splicing (PMID: 17576681, 9536098). Algorithms developed to predict the effect of sequence changes on RNA splicing suggest that this variant is not likely to affect RNA splicing. In summary, the available evidence is currently insufficient to determine the role of this variant in disease. Therefore, it has been classified as a Variant of Uncertain Significance.

Literature cited by the submitters: PubMed 17576681; PubMed 9536098.

NM_032383.5(HPS3):c.2481+5G>A

Genes: CP (ceruloplasmin; minus strand), HPS3 (HPS3 biogenesis of lysosomal organelles complex 2 subunit 1; plus strand). Cytogenetic location: 3q24.
Variant type: single nucleotide variant.
Coding change: c.2481+5G>A on transcript NM_032383.5 (MANE Select); 5 bases into the intron after coding-DNA position 2481, G replaced by A.
Molecular consequence: intron variant.
Genome position (GRCh38, 1-based): chr3:149,162,883, G>A. VCF-style: chr3-149162883-G-A. GRCh37 (hg19) VCF-style: chr3-148880670-G-A.
Other names: c.1986+5G>A (NM_001308258.2).
Identifiers: ClinVar variation 2146771 (VCV002146771.1), dbSNP rs187890574, ClinGen allele CA2660359.
Genomic context (GRCh38, chr3:149,162,883, plus strand): 5'-GATTGTCTAAGAGGCAGCCTCCTGACACCACACCATTGCGAACATCGGAGGATCTGGTAA[G>A]ATAATGGAATAATACCTTAAATTTAACTCATGCATTGCCCATTACAAAAACATACCTTAT-3'